The following is an entry in ClinVar:

NM_018706.7(DHTKD1):c.1638G>C (p.Gln546His)

Gene: DHTKD1 (dehydrogenase E1 and transketolase domain containing 1; plus strand). Cytogenetic location: 10p14.
Variant type: single nucleotide variant.
Coding change: c.1638G>C on transcript NM_018706.7 (MANE Select); coding-DNA position 1638, G replaced by C.
Protein change: p.Gln546His; replaces glutamine 546 with histidine.
Molecular consequence: missense variant.
Genome position (GRCh38, 1-based): chr10:12,097,963, G>C. VCF-style: chr10-12097963-G-C. GRCh37 (hg19) VCF-style: chr10-12139962-G-C.
Other names: c.1638G>C (NM_018706.5); short protein forms Q546H.
Identifiers: ClinVar variation 2169060 (VCV002169060.5), dbSNP rs770478241, ClinGen allele CA202586149.

ClinVar aggregate classification (germline): Uncertain significance. Review status: criteria provided, multiple submitters, no conflicts (2 of 4 stars). 2 submissions from 2 submitters: Uncertain significance (2). Last evaluated 2025-03-30.

Conditions:
2-aminoadipic 2-oxoadipic aciduria (AAKAD). Also called: Aminoadipic aciduria; ALPHA-AMINOADIPIC AND ALPHA-KETOADIPIC ACIDURIA. Identifiers: Orphanet 79154, MedGen C1859817, MONDO:0008774, OMIM 204750.
Inborn genetic diseases. Identifiers: MedGen C0950123, MeSH D030342.

Allele frequency attached by ClinVar (database versions not stated): gnomAD exomes 0.00001.
gnomAD v4.1: 15 of 1,613,136 alleles (0.00093%); highest among the groups gnomAD compares: Non-Finnish European, 0.0013%; no homozygotes.

Submissions (2):

Labcorp Genetics (formerly Invitae), Labcorp
Classification: Uncertain significance for 2-aminoadipic 2-oxoadipic aciduria. Last evaluated: 2025-03-30. Review status: criteria provided, single submitter. Criteria: Invitae Variant Classification Sherloc (09022015). Collection method: clinical testing. Allele origin: germline.
Comment: This sequence change replaces glutamine, which is neutral and polar, with histidine, which is basic and polar, at codon 546 of the DHTKD1 protein (p.Gln546His). This variant is not present in population databases (gnomAD no frequency). This variant has not been reported in the literature in individuals affected with DHTKD1-related conditions. ClinVar contains an entry for this variant (Variation ID: 2169060). Invitae Evidence Modeling of protein sequence and biophysical properties (such as structural, functional, and spatial information, amino acid conservation, physicochemical variation, residue mobility, and thermodynamic stability) indicates that this missense variant is not expected to disrupt DHTKD1 protein function with a negative predictive value of 80%. In summary, the available evidence is currently insufficient to determine the role of this variant in disease. Therefore, it has been classified as a Variant of Uncertain Significance.

Ambry Genetics
Classification: Uncertain significance for Inborn genetic diseases. Last evaluated: 2024-12-15. Review status: criteria provided, single submitter. Criteria: Ambry Variant Classification Scheme 2023. Collection method: clinical testing. Allele origin: germline.